The following is an entry in ClinVar:

ClinVar aggregate classification (germline): Uncertain significance (0 of 4 stars; one submission).

Conditions:
KDM4B-related disorder. Also called: KDM4B-related condition.

Submission:

PreventionGenetics, part of Exact Sciences
Classification: Uncertain significance for KDM4B-related condition. Last evaluated: 2023-11-30. Review status: no assertion criteria provided. Collection method: clinical testing. Allele origin: germline.
Comment: The KDM4B c.1624C>G variant is predicted to result in the amino acid substitution p.Gln542Glu. To our knowledge, this variant has not been reported in the literature or in a large population database, indicating this variant is rare. At this time, the clinical significance of this variant is uncertain due to the absence of conclusive functional and genetic evidence.

NM_015015.3(KDM4B):c.1624C>G (p.Gln542Glu)

Genes: KDM4B (lysine demethylase 4B; plus strand), LOC130063244 (ATAC-STARR-seq lymphoblastoid active region 13796; plus strand). Cytogenetic location: 19p13.3.
Variant type: single nucleotide variant.
Coding change: c.1624C>G on transcript NM_015015.3 (MANE Select); coding-DNA position 1624, C replaced by G.
Protein change: p.Gln542Glu; replaces glutamine 542 with glutamic acid.
Molecular consequence: missense variant.
Genome position (GRCh38, 1-based): chr19:5,131,384, C>G. VCF-style: chr19-5131384-C-G. GRCh37 (hg19) VCF-style: chr19-5131395-C-G.
Other names: c.1726C>G, p.Gln576Glu (NM_001411148.1); short protein forms Q542E, Q576E.
Identifiers: ClinVar variation 3045240 (VCV003045240.2), dbSNP rs2512132410, ClinGen allele CA403499473.